The following is an entry in ClinVar:

NM_001374828.1(ARID1B):c.19GCG[14] (p.Ala14_Arg15insAlaAlaAlaAlaAlaAla)

Genes: ARID1B (AT-rich interaction domain 1B; plus strand), LOC115308161 (uncharacterized LOC115308161; minus strand), LOC129997522 (ATAC-STARR-seq lymphoblastoid silent region 17709; plus strand). Cytogenetic location: 6q25.3.
Variant type: Microsatellite.
Coding change: c.19GCG[14] on transcript NM_001374828.1 (MANE Select); 14 copies in a row of the 3-base unit GCG starting at c.19; the reference has eight copies in a row; six copies, 18 bases duplicated.
Protein change: p.Ala14_Arg15insAlaAlaAlaAlaAlaAla.
Molecular consequence: inframe insertion.
Genome position (GRCh38, 1-based): chr6:156,777,705-156,777,722, GCGGCGGCGGCGGCGGCG duplicated; duplicating any 18 consecutive bases within chr6:156,777,699-156,777,722 gives the same sequence; the position shown is the placement nearest the transcript's 3' end. VCF-style (leftmost placement, unchanged base first): chr6-156777698-A-AGCGGCGGCGGCGGCGGCG. GRCh37 (hg19) VCF-style: chr6-157098832-A-AGCGGCGGCGGCGGCGGCG.
Other names: c.19GCG[14], p.Ala14_Arg15insAlaAlaAlaAlaAlaAla (NM_001371656.1, NM_001374820.1, NM_017519.3).
Identifiers: ClinVar variation 2749077 (VCV002749077.3), dbSNP rs1046451353, ClinGen allele CA2697553796.

ClinVar aggregate classification (germline): Uncertain significance (1 of 4 stars; one submission).

Submission:

Labcorp Genetics (formerly Invitae), Labcorp
Classification: Uncertain significance. Last evaluated: 2023-08-28. Review status: criteria provided, single submitter. Criteria: Invitae Variant Classification Sherloc (09022015). Collection method: clinical testing. Allele origin: germline.
Comment: This variant, c.25_42dup, results in the insertion of 6 amino acid(s) of the ARID1B protein (p.Ala9_Ala14dup), but otherwise preserves the integrity of the reading frame. The frequency data for this variant in the population databases is considered unreliable, as metrics indicate insufficient coverage at this position in the gnomAD database. This variant has not been reported in the literature in individuals affected with ARID1B-related conditions. Experimental studies and prediction algorithms are not available or were not evaluated, and the functional significance of this variant is currently unknown. In summary, the available evidence is currently insufficient to determine the role of this variant in disease. Therefore, it has been classified as a Variant of Uncertain Significance.